The following is an entry in ClinVar:

NM_000377.3(WAS):c.133-79C>T

Gene: WAS (WASP actin nucleation promoting factor; plus strand). Cytogenetic location: Xp11.23.
Variant type: single nucleotide variant.
Coding change: c.133-79C>T on transcript NM_000377.3 (MANE Select); 79 bases into the intron before coding-DNA position 133, C replaced by T.
Molecular consequence: intron variant.
Genome position (GRCh38, 1-based): chrX:48,684,204, C>T. VCF-style: chrX-48684204-C-T. GRCh37 (hg19) VCF-style: chrX-48542593-C-T.
Other names: c.133-79C>T (NM_001438879.1, NM_001438877.1, NM_001438878.1 and 1 more transcripts).
Identifiers: ClinVar variation 5008681 (VCV005008681.1).

ClinVar aggregate classification (germline): Uncertain significance (1 of 4 stars; one submission).

Submission:

GeneDx
Classification: Uncertain significance. Last evaluated: 2026-03-12. Review status: criteria provided, single submitter. Criteria: GeneDx Variant Classification Process June 2021. Collection method: clinical testing. Allele origin: germline.
Comment: Has not been previously published as pathogenic or benign to our knowledge; No data available from control populations to assess the frequency of this variant; In silico analysis suggests this variant may impact gene splicing. In the absence of RNA/functional studies, the actual effect of this sequence change is unknown.